The following is an entry in ClinVar:

NM_032581.4(HYCC1):c.*8C>T

Gene: HYCC1 (hyccin PI4KA lipid kinase complex subunit 1; minus strand). Cytogenetic location: 7p15.3.
Variant type: single nucleotide variant.
Coding change: c.*8C>T on transcript NM_032581.4 (MANE Select); 8 bases downstream of the stop codon, C replaced by T.
Molecular consequence: 3 prime UTR variant.
Genome position (GRCh38, 1-based): chr7:22,945,581, G>A on the plus strand (C>T on the coding strand, the complement: HYCC1 is on the minus strand). VCF-style: chr7-22945581-G-A. GRCh37 (hg19) VCF-style: chr7-22985200-G-A.
Other names: c.*610C>T (NM_001363466.2); c.*568C>T (NM_001363467.2); c.*8C>T (NM_032581.3).
Identifiers: ClinVar variation 4683255 (VCV004683255.2).

ClinVar aggregate classification (germline): Likely benign. Review status: criteria provided, multiple submitters, no conflicts (2 of 4 stars). 2 submissions from 2 submitters: Likely benign (2). Last evaluated 2025-09-05.

Conditions:
HYCC1-related disorder. Also called: HYCC1-related condition.

gnomAD v4.1: 32 of 1,582,374 alleles (0.002%); highest among the groups gnomAD compares: Admixed American, 0.033%; no homozygotes.

Submissions (2):

Mayo Clinic Laboratories, Mayo Clinic
Classification: Likely benign. Last evaluated: 2025-09-05. Review status: criteria provided, single submitter. Criteria: ACMG Guidelines, 2015. Collection method: clinical testing. Allele origin: germline. Observed: 1 variant allele.
Comment: BP4, BP7

PreventionGenetics, part of Exact Sciences
Classification: Likely benign for HYCC1-related condition. Last evaluated: 2025-01-16. Review status: criteria provided, single submitter. Criteria: ACMG Guidelines, 2015. Collection method: clinical testing. Allele origin: germline.
Comment: This variant is classified as likely benign based on ACMG/AMP sequence variant interpretation guidelines (Richards et al. 2015 PMID: 25741868, with internal and published modifications).